The following is an entry in ClinVar:

NM_030973.4(MED25):c.2191C>T (p.Pro731Ser)

Gene: MED25 (mediator complex subunit 25; plus strand). Cytogenetic location: 19q13.33.
Variant type: single nucleotide variant.
Coding change: c.2191C>T on transcript NM_030973.4 (MANE Select); coding-DNA position 2191, C replaced by T.
Protein change: p.Pro731Ser; replaces proline 731 with serine.
Molecular consequence: missense variant. On other transcripts: intron variant (1).
Genome position (GRCh38, 1-based): chr19:49,836,891, C>T. VCF-style: chr19-49836891-C-T. GRCh37 (hg19) VCF-style: chr19-50340148-C-T.
Other names: c.2146+485C>T (NM_001378355.1); short protein forms P731S.
Identifiers: ClinVar variation 965447 (VCV000965447.7), dbSNP rs1236215092, ClinGen allele CA406922549.

ClinVar aggregate classification (germline): Uncertain significance (1 of 4 stars; one submission).

Conditions:
Charcot-Marie-Tooth disease type 2. Also called: Charcot-Marie-Tooth type 2. Identifiers: Orphanet 64746, MedGen C0270914, MONDO:0018993.

Allele frequency attached by ClinVar (database versions not stated): gnomAD exomes 0.00001.
gnomAD v4.1: 9 of 1,612,776 alleles (0.00056%); highest among the groups gnomAD compares: Non-Finnish European, 0.00076%; no homozygotes.

Submission:

Labcorp Genetics (formerly Invitae), Labcorp
Classification: Uncertain significance for Charcot-Marie-Tooth disease type 2. Last evaluated: 2021-09-19. Review status: criteria provided, single submitter. Criteria: Invitae Variant Classification Sherloc (09022015). Collection method: clinical testing. Allele origin: germline.
Comment: This sequence change replaces proline with serine at codon 731 of the MED25 protein (p.Pro731Ser). The proline residue is moderately conserved and there is a moderate physicochemical difference between proline and serine. This variant is not present in population databases (ExAC no frequency). This variant has not been reported in the literature in individuals affected with MED25-related conditions. Algorithms developed to predict the effect of missense changes on protein structure and function (SIFT, PolyPhen-2, Align-GVGD) all suggest that this variant is likely to be tolerated. In summary, the available evidence is currently insufficient to determine the role of this variant in disease. Therefore, it has been classified as a Variant of Uncertain Significance.